The following is an entry in ClinVar:

NM_000553.6(WRN):c.1721-18T>G

Gene: WRN (WRN RecQ like helicase; plus strand). Cytogenetic location: 8p12.
Variant type: single nucleotide variant.
Coding change: c.1721-18T>G on transcript NM_000553.6 (MANE Select); 18 bases into the intron before coding-DNA position 1721, T replaced by G.
Molecular consequence: intron variant.
Genome position (GRCh38, 1-based): chr8:31,090,816, T>G. VCF-style: chr8-31090816-T-G. GRCh37 (hg19) VCF-style: chr8-30948332-T-G.
Identifiers: ClinVar variation 2025063 (VCV002025063.1), dbSNP rs1813717637, ClinGen allele CA2580078158.

ClinVar aggregate classification (germline): Uncertain significance (1 of 4 stars; one submission).

Conditions:
Werner syndrome (WRN). Identifiers: Orphanet 902, MedGen C0043119, MONDO:0010196, OMIM 277700.

Submission:

Labcorp Genetics (formerly Invitae), Labcorp
Classification: Uncertain significance for Werner syndrome. Last evaluated: 2022-08-19. Review status: criteria provided, single submitter. Criteria: Invitae Variant Classification Sherloc (09022015). Collection method: clinical testing. Allele origin: germline.
Comment: This sequence change falls in intron 14 of the WRN gene. It does not directly change the encoded amino acid sequence of the WRN protein. This variant is not present in population databases (gnomAD no frequency). This variant has not been reported in the literature in individuals affected with WRN-related conditions. Algorithms developed to predict the effect of sequence changes on RNA splicing suggest that this variant may disrupt the consensus splice site. In summary, the available evidence is currently insufficient to determine the role of this variant in disease. Therefore, it has been classified as a Variant of Uncertain Significance.